The following is an entry in ClinVar:

NM_017644.3(KLHL24):c.604G>A (p.Glu202Lys)

Gene: KLHL24 (kelch like family member 24; plus strand). Cytogenetic location: 3q27.1.
Variant type: single nucleotide variant.
Coding change: c.604G>A on transcript NM_017644.3 (MANE Select); coding-DNA position 604, G replaced by A.
Protein change: p.Glu202Lys; replaces glutamic acid 202 with lysine.
Molecular consequence: missense variant. On other transcripts: 5 prime UTR variant (2), non-coding transcript variant (2).
Genome position (GRCh38, 1-based): chr3:183,650,960, G>A. VCF-style: chr3-183650960-G-A. GRCh37 (hg19) VCF-style: chr3-183368748-G-A.
Other names: c.604G>A, p.Glu202Lys (NM_001349413.1, NM_001349414.1, NM_001349415.1 and 12 more transcripts); c.-363G>A (NM_001349428.1, NM_001349429.1); short protein forms E202K.
Identifiers: ClinVar variation 3115569 (VCV003115569.2), dbSNP rs1256356011, ClinGen allele CA355353283.
Genomic context (GRCh38, chr3:183,650,960, plus strand): 5'-ACACTCTTCACAAAATGCAAAAATTTTGCGTTACAGACTTTTGAGGATGTATCCCAGCAC[G>A]AAGAATTTCTTGAGCTTGACAAAGATGAACTTATTGATTATATTTGTAGTGATGAACTTG-3'
Protein context (NP_060114.2, residues 192-212): LQTFEDVSQH[Glu202Lys]EFLELDKDEL

ClinVar aggregate classification (germline): Uncertain significance. Review status: criteria provided, multiple submitters, no conflicts (2 of 4 stars). 2 submissions from 2 submitters: Uncertain significance (2). Last evaluated 2024-08-17.

Conditions:
Inborn genetic diseases. Identifiers: MedGen C0950123, MeSH D030342.
Cardiomyopathy, familial hypertrophic, 29, with polyglucosan bodies (CMH29). Identifiers: MedGen C5774308, MONDO:0859372, OMIM 620236.

Allele frequency attached by ClinVar (database versions not stated): gnomAD exomes 0.00001.

Submissions (2):

3billion
Classification: Uncertain significance for Cardiomyopathy, familial hypertrophic, 29, with polyglucosan bodies. Last evaluated: 2024-08-17. Review status: criteria provided, single submitter. Criteria: ACMG Guidelines, 2015. Collection method: clinical testing. Allele origin: germline. Affected: yes.
Comment: The variant is observed at an extremely low frequency in the gnomAD v4.0.0 dataset (total allele frequency: 0.001%). Predicted Consequence/Location: Missense variant In silico tool predictions suggest damaging effect of the variant on gene or gene product [REVEL: 0.66 (>=0.6, sensitivity 0.68 and specificity 0.92); 3Cnet: 0.65 (>=0.6, sensitivity 0.72 and precision 0.9)]. The variant has been reported as of uncertain significance (ClinVar ID: VCV003115569). Therefore, this variant is classified as VUS according to the recommendation of ACMG/AMP guideline.

Ambry Genetics
Classification: Uncertain significance for Inborn genetic diseases. Last evaluated: 2023-12-13. Review status: criteria provided, single submitter. Criteria: Ambry Variant Classification Scheme 2023. Collection method: clinical testing. Allele origin: germline.